The following is an entry in ClinVar:

ClinVar aggregate classification (germline): Conflicting classifications of pathogenicity. Review status: criteria provided, conflicting classifications (1 of 4 stars). 3 submissions from 3 submitters: Uncertain significance (2); Likely benign (1). Last evaluated 2025-09-02.

Allele frequency attached by ClinVar (database versions not stated): ExAC 0.00001; gnomAD exomes 0.00001; TOPMed 0.00001.
gnomAD v4.1: 16 of 1,612,876 alleles (0.00099%); highest among the groups gnomAD compares: Middle Eastern, 0.016%; no homozygotes.

Submissions (3):

Labcorp Genetics (formerly Invitae), Labcorp
Classification: Likely benign. Last evaluated: 2025-09-02. Review status: criteria provided, single submitter. Criteria: Invitae Variant Classification Sherloc (09022015). Collection method: clinical testing. Allele origin: germline.

GeneDx
Classification: Uncertain significance. Last evaluated: 2023-11-29. Review status: criteria provided, single submitter. Criteria: GeneDx Variant Classification Process June 2021. Collection method: clinical testing. Allele origin: germline. Affected: yes.
Comment: Not observed at significant frequency in large population cohorts (gnomAD); In silico analysis supports that this missense variant does not alter protein structure/function; Has not been previously published as pathogenic or benign to our knowledge

Blueprint Genetics
Classification: Uncertain significance. Last evaluated: 2022-12-01. Review status: criteria provided, single submitter. Criteria: ACMG Guidelines, 2015. Collection method: clinical testing. Allele origin: germline.

NM_080680.3(COL11A2):c.4999C>T (p.Arg1667Cys)

Gene: COL11A2 (collagen type XI alpha 2 chain; minus strand). Cytogenetic location: 6p21.32.
Variant type: single nucleotide variant.
Coding change: c.4999C>T on transcript NM_080680.3 (MANE Select); coding-DNA position 4999, C replaced by T.
Protein change: p.Arg1667Cys; replaces arginine 1667 with cysteine.
Molecular consequence: missense variant.
Genome position (GRCh38, 1-based): chr6:33,164,338, G>A on the plus strand (C>T on the coding strand, the complement: COL11A2 is on the minus strand). VCF-style: chr6-33164338-G-A. GRCh37 (hg19) VCF-style: chr6-33132115-G-A.
Other names: c.4678C>T, p.Arg1560Cys (NM_080679.3); c.4741C>T, p.Arg1581Cys (NM_080681.3); c.4999C>T (NM_080680.2); short protein forms R1581C, R1560C, R1667C.
Identifiers: ClinVar variation 1437721 (VCV001437721.8), dbSNP rs759322344, ClinGen allele CA3749939.